The following is an entry in ClinVar:

NM_000722.4(CACNA2D1):c.95+5G>A

Gene: CACNA2D1 (calcium voltage-gated channel auxiliary subunit alpha2delta 1; minus strand). Cytogenetic location: 7q21.11.
Variant type: single nucleotide variant.
Coding change: c.95+5G>A on transcript NM_000722.4 (MANE Select); 5 bases into the intron after coding-DNA position 95, G replaced by A.
Molecular consequence: intron variant.
Genome position (GRCh38, 1-based): chr7:82,443,360, C>T on the plus strand (G>A on the coding strand, the complement: CACNA2D1 is on the minus strand). VCF-style: chr7-82443360-C-T. GRCh37 (hg19) VCF-style: chr7-82072676-C-T.
Other names: c.95+5G>A (NM_001366867.1, NM_001302890.2).
Identifiers: ClinVar variation 2771153 (VCV002771153.3), dbSNP rs2492771527, ClinGen allele CA2697557341.

ClinVar aggregate classification (germline): Uncertain significance (1 of 4 stars; one submission).

Conditions:
Brugada syndrome. Also called: Sudden unexpected nocturnal death syndrome; Sudden Unexplained Death Syndrome; Sudden Unexplained Nocturnal Death Syndrome (SUNDS); Sudden unexplained nocturnal death syndrome. Identifiers: Orphanet 130, MedGen C1142166, MONDO:0015263.

Submission:

Labcorp Genetics (formerly Invitae), Labcorp
Classification: Uncertain significance for Brugada syndrome. Last evaluated: 2023-10-23. Review status: criteria provided, single submitter. Criteria: Invitae Variant Classification Sherloc (09022015). Collection method: clinical testing. Allele origin: germline.
Comment: This sequence change falls in intron 1 of the CACNA2D1 gene. It does not directly change the encoded amino acid sequence of the CACNA2D1 protein. It affects a nucleotide within the consensus splice site. This variant is not present in population databases (gnomAD no frequency). This variant has not been reported in the literature in individuals affected with CACNA2D1-related conditions. Variants that disrupt the consensus splice site are a relatively common cause of aberrant splicing (PMID: 17576681, 9536098). Algorithms developed to predict the effect of sequence changes on RNA splicing suggest that this variant may disrupt the consensus splice site. In summary, the available evidence is currently insufficient to determine the role of this variant in disease. Therefore, it has been classified as a Variant of Uncertain Significance.

Literature cited by the submitters: PubMed 17576681; PubMed 9536098.